The following is an entry in ClinVar:

NM_032634.4(PIGO):c.1433C>T (p.Pro478Leu)

Gene: PIGO (phosphatidylinositol glycan anchor biosynthesis class O; minus strand). Cytogenetic location: 9p13.3.
Variant type: single nucleotide variant.
Coding change: c.1433C>T on transcript NM_032634.4 (MANE Select); coding-DNA position 1433, C replaced by T.
Protein change: p.Pro478Leu; replaces proline 478 with leucine.
Molecular consequence: missense variant. On other transcripts: intron variant (2).
Genome position (GRCh38, 1-based): chr9:35,092,454, G>A on the plus strand (C>T on the coding strand, the complement: PIGO is on the minus strand). VCF-style: chr9-35092454-G-A. GRCh37 (hg19) VCF-style: chr9-35092451-G-A.
Other names: c.1344+89C>T (NM_152850.4, NM_001201484.2); short protein forms P478L.
Identifiers: ClinVar variation 949863 (VCV000949863.9), dbSNP rs1829474467, ClinGen allele CA373322123.

ClinVar aggregate classification (germline): Uncertain significance (1 of 4 stars; one submission).

Conditions:
Hyperphosphatasia with impaired intellectual development syndrome 2. Also called: Hyperphosphatasia with intellectual disability syndrome 2; GLYCOSYLPHOSPHATIDYLINOSITOL BIOSYNTHESIS DEFECT 6. Identifiers: Orphanet 247262, MedGen C3553637, MONDO:0013882, OMIM 614749.

Allele frequency attached by ClinVar (database versions not stated): gnomAD exomes below 0.00001.
gnomAD v4.1: 1 of 1,614,278 alleles (0.000062%); highest among the groups gnomAD compares: Non-Finnish European, 0.000085%; no homozygotes.

Submission:

Labcorp Genetics (formerly Invitae), Labcorp
Classification: Uncertain significance for Hyperphosphatasia with impaired intellectual development syndrome 2. Last evaluated: 2019-08-14. Review status: criteria provided, single submitter. Criteria: Invitae Variant Classification Sherloc (09022015). Collection method: clinical testing. Allele origin: germline.
Comment: This variant has not been reported in the literature in individuals with PIGO-related conditions. Algorithms developed to predict the effect of missense changes on protein structure and function output the following: SIFT: "Tolerated"; PolyPhen-2: "Benign"; Align-GVGD: "Class C0". The leucine amino acid residue is found in multiple mammalian species, suggesting that this missense change does not adversely affect protein function. These predictions have not been confirmed by published functional studies and their clinical significance is uncertain. In summary, the available evidence is currently insufficient to determine the role of this variant in disease. Therefore, it has been classified as a Variant of Uncertain Significance. This variant is not present in population databases (ExAC no frequency). This sequence change replaces proline with leucine at codon 478 of the PIGO protein (p.Pro478Leu). The proline residue is weakly conserved and there is a moderate physicochemical difference between proline and leucine.